The following is an entry in ClinVar:

NM_000245.4(MET):c.2441C>T (p.Pro814Leu)

Gene: MET (MET proto-oncogene, receptor tyrosine kinase; plus strand). Cytogenetic location: 7q31.2.
Variant type: single nucleotide variant.
Coding change: c.2441C>T on transcript NM_000245.4 (MANE Select); coding-DNA position 2441, C replaced by T.
Protein change: p.Pro814Leu; replaces proline 814 with leucine.
Molecular consequence: missense variant.
Genome position (GRCh38, 1-based): chr7:116,763,126, C>T. VCF-style: chr7-116763126-C-T. GRCh37 (hg19) VCF-style: chr7-116403180-C-T.
Other names: c.2495C>T, p.Pro832Leu (NM_001127500.3); c.2441C>T, p.Pro814Leu (NM_001324401.3); c.1151C>T, p.Pro384Leu (NM_001324402.2); short protein forms P832L, P384L, P814L.
Identifiers: ClinVar variation 524888 (VCV000524888.17), dbSNP rs781452657, ClinGen allele CA4448490.

ClinVar aggregate classification (germline): Uncertain significance. Review status: criteria provided, multiple submitters, no conflicts (2 of 4 stars). 4 submissions from 4 submitters: Uncertain significance (4). Last evaluated 2026-01-13.

Conditions:
Hereditary cancer-predisposing syndrome. Also called: Neoplastic Syndromes, Hereditary; Hereditary neoplastic syndrome; Tumor predisposition; Hereditary Cancer Syndrome. Identifiers: Orphanet 140162, MedGen C0027672, MeSH D009386, MONDO:0015356.
Renal cell carcinoma. Identifiers: Orphanet 217071, MedGen C0007134, MeSH D002292, MONDO:0005086, HP:0005584.

Allele frequency attached by ClinVar (database versions not stated): gnomAD 0.00001; gnomAD exomes 0.00001 and 0.00002; TOPMed 0.00001; ExAC 0.00002.

Submissions (4):

Labcorp Genetics (formerly Invitae), Labcorp
Classification: Uncertain significance for Renal cell carcinoma. Last evaluated: 2026-01-13. Review status: criteria provided, single submitter. Criteria: Invitae Variant Classification Sherloc (09022015). Collection method: clinical testing. Allele origin: germline.
Comment: This sequence change replaces proline, which is neutral and non-polar, with leucine, which is neutral and non-polar, at codon 832 of the MET protein (p.Pro832Leu). This variant is present in population databases (rs781452657, gnomAD 0.003%). This variant has not been reported in the literature in individuals affected with MET-related conditions. ClinVar contains an entry for this variant (Variation ID: 524888). Invitae Evidence Modeling of protein sequence and biophysical properties (such as structural, functional, and spatial information, amino acid conservation, physicochemical variation, residue mobility, and thermodynamic stability) indicates that this missense variant is expected to disrupt MET protein function with a positive predictive value of 80%. In summary, the available evidence is currently insufficient to determine the role of this variant in disease. Therefore, it has been classified as a Variant of Uncertain Significance.

Ambry Genetics
Classification: Uncertain significance for Hereditary cancer-predisposing syndrome. Last evaluated: 2024-04-01. Review status: criteria provided, single submitter. Criteria: Ambry Variant Classification Scheme 2023. Collection method: clinical testing. Allele origin: germline.
Comment: The p.P832L variant (also known as c.2495C>T), located in coding exon 10 of the MET gene, results from a C to T substitution at nucleotide position 2495. The proline at codon 832 is replaced by leucine, an amino acid with similar properties. This amino acid position is highly conserved in available vertebrate species. In addition, this alteration is predicted to be deleterious by in silico analysis. Since supporting evidence is limited at this time, the clinical significance of this alteration remains unclear.

GeneDx
Classification: Uncertain significance. Last evaluated: 2023-10-13. Review status: criteria provided, single submitter. Criteria: GeneDx Variant Classification Process June 2021. Collection method: clinical testing. Allele origin: germline. Affected: yes.
Comment: Not observed at significant frequency in large population cohorts (gnomAD); In silico analysis supports that this missense variant has a deleterious effect on protein structure/function; Has not been previously published as pathogenic or benign to our knowledge

Sema4
Classification: Uncertain significance for Hereditary cancer-predisposing syndrome. Last evaluated: 2021-06-24. Review status: criteria provided, single submitter. Criteria: Sema4 Curation Guidelines. Collection method: curation. Allele origin: germline.
Comment: The MET c.2495C>T (p.P832L) variant has not been reported in the literature to our knowledge. This variant was observed in 5/128476 chromosomes in the Non-Finnish European population, according to the Genome Aggregation Database (PMID: 32461654). This variant has been reported in ClinVar (Variation ID 524888). In silico tools suggest the impact of the variant on protein function is inconclusive, though these predictions have not been confirmed by functional studies. The overall evidence is insufficient to meet ACMG/AMP criteria for classifying it as benign or pathogenic. In summary, the clinical significance of this variant is currently uncertain.